The following is an entry in ClinVar:

NM_001035.3(RYR2):c.4384G>A (p.Val1462Ile)

Gene: RYR2 (ryanodine receptor 2; plus strand). Cytogenetic location: 1q43.
Variant type: single nucleotide variant.
Coding change: c.4384G>A on transcript NM_001035.3 (MANE Select); coding-DNA position 4384, G replaced by A.
Protein change: p.Val1462Ile; replaces valine 1462 with isoleucine.
Molecular consequence: missense variant.
Genome position (GRCh38, 1-based): chr1:237,593,584, G>A. VCF-style: chr1-237593584-G-A. GRCh37 (hg19) VCF-style: chr1-237756884-G-A.
Other names: c.4384G>A, p.Val1462Ile (LRG_402t1); short protein forms V1462I.
Identifiers: ClinVar variation 629379 (VCV000629379.6), dbSNP rs755547916, ClinGen allele CA086600.

ClinVar aggregate classification (germline): Uncertain significance. Review status: criteria provided, multiple submitters, no conflicts (2 of 4 stars). 2 submissions from 2 submitters: Uncertain significance (2). Last evaluated 2024-05-21.

Conditions:
Catecholaminergic polymorphic ventricular tachycardia 1. Also called: RYR2-Related Catecholaminergic Polymorphic Ventricular Tachycardia; VENTRICULAR TACHYCARDIA, CATECHOLAMINERGIC POLYMORPHIC, 1, WITH OR WITHOUT ATRIAL DYSFUNCTION AND/OR DILATED CARDIOMYOPATHY; VENTRICULAR TACHYCARDIA, STRESS-INDUCED POLYMORPHIC 1. Identifiers: Orphanet 3286, MedGen C1631597, MONDO:0011484, OMIM 604772.
Cardiomyopathy (CMYO). Also called: Cardiomyopathies. Identifiers: Orphanet 167848, MedGen C0878544, MONDO:0004994, HP:0001638. Inheritance: Various modes of inheritance.

Allele frequency attached by ClinVar (database versions not stated): TOPMed below 0.00001; ExAC 0.00001.

Submissions (2):

Labcorp Genetics (formerly Invitae), Labcorp
Classification: Uncertain significance for Catecholaminergic polymorphic ventricular tachycardia 1. Last evaluated: 2024-05-21. Review status: criteria provided, single submitter. Criteria: Invitae Variant Classification Sherloc (09022015). Collection method: clinical testing. Allele origin: germline.
Comment: This sequence change replaces valine, which is neutral and non-polar, with isoleucine, which is neutral and non-polar, at codon 1462 of the RYR2 protein (p.Val1462Ile). This variant is present in population databases (rs755547916, gnomAD 0.003%). This variant has not been reported in the literature in individuals affected with RYR2-related conditions. ClinVar contains an entry for this variant (Variation ID: 629379). Advanced modeling of protein sequence and biophysical properties (such as structural, functional, and spatial information, amino acid conservation, physicochemical variation, residue mobility, and thermodynamic stability) performed at Invitae indicates that this missense variant is not expected to disrupt RYR2 protein function with a negative predictive value of 95%. In summary, the available evidence is currently insufficient to determine the role of this variant in disease. Therefore, it has been classified as a Variant of Uncertain Significance.

Color Diagnostics, LLC DBA Color Health
Classification: Uncertain significance for Cardiomyopathy. Last evaluated: 2023-12-05. Review status: criteria provided, single submitter. Criteria: ACMG Guidelines, 2015. Collection method: clinical testing. Allele origin: germline.
Comment: Variant of Uncertain Significance due to insufficient evidence: This missense variant is located in the cytoplasmic SPRY domain 3 of the RYR2 protein. Computational prediction tools and conservation analyses are inconclusive regarding the impact of this variant on the protein function. Computational splicing tools suggest that this variant may not impact RNA splicing. To our knowledge, functional assays have not been performed for this variant nor has this variant been reported in individuals affected with cardiovascular disorders in the literature. This variant is rare in the general population and has been identified in 1/245946 chromosomes by the Genome Aggregation Database (gnomAD). Available evidence is insufficient to determine the pathogenicity of this variant conclusively.